The following is an entry in ClinVar:

ClinVar aggregate classification (germline): Uncertain significance (1 of 4 stars; one submission).

Conditions:
Dyskeratosis congenita, autosomal dominant 2. Identifiers: MedGen C3151443, MONDO:0013521, OMIM 613989.
Idiopathic Pulmonary Fibrosis. Also called: Idiopathic fibrosing alveolitis, chronic form; idiopathic fibrosing alveolitis. Identifiers: Orphanet 2032, MedGen C1800706, MeSH D054990, MONDO:0800504.

Submission:

Labcorp Genetics (formerly Invitae), Labcorp
Classification: Uncertain significance for Dyskeratosis congenita, autosomal dominant 2; Idiopathic Pulmonary Fibrosis. Last evaluated: 2021-04-18. Review status: criteria provided, single submitter. Criteria: Invitae Variant Classification Sherloc (09022015). Collection method: clinical testing. Allele origin: germline.
Comment: In summary, the available evidence is currently insufficient to determine the role of this variant in disease. Therefore, it has been classified as a Variant of Uncertain Significance. Advanced modeling of protein sequence and biophysical properties (such as structural, functional, and spatial information, amino acid conservation, physicochemical variation, residue mobility, and thermodynamic stability) performed at Invitae indicates that this missense variant is not expected to disrupt TERT protein function. This variant has not been reported in the literature in individuals with TERT-related conditions. This variant is not present in population databases (ExAC no frequency). This sequence change replaces aspartic acid with glycine at codon 318 of the TERT protein (p.Asp318Gly). The aspartic acid residue is weakly conserved and there is a moderate physicochemical difference between aspartic acid and glycine.

NM_198253.3(TERT):c.953A>G (p.Asp318Gly)

Gene: TERT (telomerase reverse transcriptase; minus strand). Cytogenetic location: 5p15.33.
Variant type: single nucleotide variant.
Coding change: c.953A>G on transcript NM_198253.3 (MANE Select); coding-DNA position 953, A replaced by G.
Protein change: p.Asp318Gly; replaces aspartic acid 318 with glycine.
Molecular consequence: missense variant. On other transcripts: non-coding transcript variant (2).
Genome position (GRCh38, 1-based): chr5:1,293,933, T>C on the plus strand (A>G on the coding strand, the complement: TERT is on the minus strand). VCF-style: chr5-1293933-T-C. GRCh37 (hg19) VCF-style: chr5-1294048-T-C.
Other names: c.953A>G, p.Asp318Gly (NM_001193376.3); short protein forms D318G.
Identifiers: ClinVar variation 1346547 (VCV001346547.8), dbSNP rs2126686688, ClinGen allele CA359056086.